The following is an entry in ClinVar:

NM_017799.4(TMEM260):c.534dup (p.Gly179fs)

Gene: TMEM260 (transmembrane protein 260; plus strand). Cytogenetic location: 14q22.3.
Variant type: Duplication.
Coding change: c.534dup on transcript NM_017799.4 (MANE Select); coding-DNA position 534, one base duplicated (T; older notation c.534dupT).
Protein change: p.Gly179fs; shifts the reading frame from glycine 179.
Molecular consequence: frameshift variant.
Genome position (GRCh38, 1-based): chr14:56,605,581, T duplicated; the last of 2 consecutive T bases (chr14:56,605,580-56,605,581); duplicating either gives the same sequence. VCF-style (leftmost placement, unchanged base first): chr14-56605579-A-AT. GRCh37 (hg19) VCF-style: chr14-57072297-A-AT.
Other names: short protein forms G179fs.
Identifiers: ClinVar variation 5019058 (VCV005019058.2).

ClinVar aggregate classification (germline): Likely pathogenic (1 of 4 stars; one submission).

Conditions:
Structural heart defects and renal anomalies syndrome (SHDRA). Identifiers: Orphanet 689822, MedGen C4479549, MONDO:0044321, OMIM 617478.

Submission:

Juno Genomics, Hangzhou Juno Genomics, Inc
Classification: Likely pathogenic for Structural heart defects and renal anomalies syndrome. Review status: criteria provided, single submitter. Criteria: ACMG Guidelines, 2015. Collection method: clinical testing. Allele origin: germline.
Comment: Absent from controls (or at extremely low frequency if recessive) in Genome Aggregation Database.;Null variant in a gene where loss of function (LOF) is a known mechanism of disease.